The following is an entry in ClinVar:

ClinVar aggregate classification (germline): Uncertain significance (1 of 4 stars; one submission).

Conditions:
Melnick-Fraser syndrome (BOR). Also called: Branchiootorenal syndrome; Branchio-oto-renal syndrome; Branchiootorenal Syndrome (BORS). Identifiers: Orphanet 107, MedGen C0265234, MONDO:0007029.

gnomAD v4.1: 1 of 1,614,164 alleles (0.000062%); highest among the groups gnomAD compares: Admixed American, 0.0017%; no homozygotes.

Submission:

Labcorp Genetics (formerly Invitae), Labcorp
Classification: Uncertain significance for Melnick-Fraser syndrome. Last evaluated: 2025-12-15. Review status: criteria provided, single submitter. Criteria: Invitae Variant Classification Sherloc (09022015). Collection method: clinical testing. Allele origin: germline.
Comment: This sequence change replaces glutamine, which is neutral and polar, with proline, which is neutral and non-polar, at codon 160 of the EYA1 protein (p.Gln160Pro). This variant is not present in population databases (gnomAD no frequency). This variant has not been reported in the literature in individuals affected with EYA1-related conditions. Invitae Evidence Modeling of protein sequence and biophysical properties (such as structural, functional, and spatial information, amino acid conservation, physicochemical variation, residue mobility, and thermodynamic stability) indicates that this missense variant is not expected to disrupt EYA1 protein function with a negative predictive value of 80%. In summary, the available evidence is currently insufficient to determine the role of this variant in disease. Therefore, it has been classified as a Variant of Uncertain Significance.

NM_000503.6(EYA1):c.479A>C (p.Gln160Pro)

Gene: EYA1 (EYA transcriptional coactivator and phosphatase 1; minus strand). Cytogenetic location: 8q13.3.
Variant type: single nucleotide variant.
Coding change: c.479A>C on transcript NM_000503.6 (MANE Select); coding-DNA position 479, A replaced by C.
Protein change: p.Gln160Pro; replaces glutamine 160 with proline.
Molecular consequence: missense variant.
Genome position (GRCh38, 1-based): chr8:71,317,629, T>G on the plus strand (A>C on the coding strand, the complement: EYA1 is on the minus strand). VCF-style: chr8-71317629-T-G. GRCh37 (hg19) VCF-style: chr8-72229864-T-G.
Other names: c.479A>C, p.Gln160Pro (NM_001370335.1, NM_172058.4, NM_001370334.1); c.548A>C, p.Gln183Pro (NM_001370336.1); c.380A>C, p.Gln127Pro (NM_001411797.1, NM_172060.4); c.551A>C, p.Gln184Pro (NM_172059.5); c.461A>C, p.Gln154Pro (NM_001288574.2); c.113A>C, p.Gln38Pro (NM_001288575.2); c.566A>C, p.Gln189Pro (NM_001370333.1); short protein forms Q160P, Q183P, Q38P, Q154P, Q189P, Q127P, Q184P.
Identifiers: ClinVar variation 4777407 (VCV004777407.1).
Genomic context (GRCh38, chr8:71,317,629, plus strand): 5'-TATGGTGCCTGTCCAGGTTGAGGGGTACTGAAGCTTGTGCCATAGCTGAGAAATCCTGTC[T>G]GTCCAGGTGACTGAGACTGTGACAATCCACCTTCAGTCTTGATGCCTGCCCACAATGCAC-3'
Protein context (NP_000494.2, residues 150-170): GGLSQSQSPG[Gln160Pro]TGFLSYGTSF